The following is an entry in ClinVar:

GRCh37/hg19 22q13.31-13.33(chr22:45977415-51183840)x1

Genes: ACR (acrosin; plus strand), ADM2 (adrenomedullin 2; plus strand), ALG12 (ALG12 alpha-1,6-mannosyltransferase; minus strand), ARSA (arylsulfatase A; minus strand), ATXN10 (ataxin 10; plus strand) and 47 more. Cytogenetic location: 22q13.31-13.33.
Variant type: copy number loss.
Change: copy number 1 (one copy instead of two) of chr22:45,977,415-51,183,840 (5.21 Mb, GRCh37 coordinates, 1-based), cytogenetic band 22q13.31-13.33.
Identifiers: ClinVar variation 1807848 (VCV001807848.1).

ClinVar aggregate classification (germline): Pathogenic (1 of 4 stars; one submission).

Submission:

Quest Diagnostics Nichols Institute San Juan Capistrano
Classification: Pathogenic. Last evaluated: 2022-01-03. Review status: criteria provided, single submitter. Criteria: ACMG/ClinGen CNV Guidelines, 2019. Collection method: clinical testing. Allele origin: unknown.
Comment: The loss of 22q13.31q13.33 is consistent with the diagnosis of 22q13.3 microdeletion syndrome (Phelan-McDermid syndrome, OMIM 606232). The phenotype of the syndrome is variable, according to the size of the deleted segment, but characterized by neonatal hypotonia, global developmental delay, normal to accelerated growth, absent to severely delayed speech, autistic behavior, seizures, and minor dysmorphic features. The loss of 22q13.3 can result from simple deletion, translocation, ring chromosome formation and less common structural changes affecting the long arm of chromosome 22 (Phelan, Orphanet J Rare Dis. 2008 May 27;3:14. PMID: 18505557; Sarasua et al., Hum Genet. 2014 Jul;133(7):847-59; PMID: 24481935; Zwanenburg et al., J Neurodev Disord. 2016; 8: 16. PMID: 27118998; Phelan, et al., Am J Med Genet. 2001 Jun 15;101(2):91-9. PMID: 11391650). Although SHANK3 (OMIM 606230) is the primary phenotype gene for the neurological features of the syndrome, haploinsufficiency of other genes likely contributes to the phenotype, as well (Disciglio et al. J. Med. Genet. 164A: 1666-1676, 2014. PMID: 24700646).